The following is an entry in ClinVar:

ClinVar aggregate classification (germline): Likely pathogenic (1 of 4 stars; one submission).

Conditions:
ABCC8-related disorder.

Submission:

PreventionGenetics, part of Exact Sciences
Classification: Likely pathogenic for ABCC8-related condition. Last evaluated: 2025-12-23. Review status: criteria provided, single submitter. Criteria: ACMG Guidelines, 2015. Collection method: clinical testing. Allele origin: germline.
Comment: The ABCC8 c.4460A>G variant is predicted to result in the amino acid substitution p.Gln1487Arg. This variant (also reported as c.4463A>G, p.Gln1488Arg in NM_001287174) has been reported to occur de novo in an individual with hyperinsulinism (De Franco et al. 2020. PubMed ID: 32027066). This variant has not been reported in a large population database (gnomAD), indicating this variant is rare. This variant is interpreted as likely pathogenic.

NM_000352.6(ABCC8):c.4460A>G (p.Gln1487Arg)

Gene: ABCC8 (ATP binding cassette subfamily C member 8; minus strand). Cytogenetic location: 11p15.1.
Variant type: single nucleotide variant.
Coding change: c.4460A>G on transcript NM_000352.6 (MANE Select); coding-DNA position 4460, A replaced by G.
Protein change: p.Gln1487Arg; replaces glutamine 1487 with arginine.
Molecular consequence: missense variant. On other transcripts: non-coding transcript variant (1).
Genome position (GRCh38, 1-based): chr11:17,394,351, T>C on the plus strand (A>G on the coding strand, the complement: ABCC8 is on the minus strand). VCF-style: chr11-17394351-T-C. GRCh37 (hg19) VCF-style: chr11-17415898-T-C.
Other names: c.4463A>G, p.Gln1488Arg (NM_001287174.3); c.4526A>G, p.Gln1509Arg (NM_001351295.2); c.4460A>G, p.Gln1487Arg (NM_001351296.2); c.4457A>G, p.Gln1486Arg (NM_001351297.2); short protein forms Q1486R, Q1487R, Q1509R, Q1488R.
Identifiers: ClinVar variation 4983043 (VCV004983043.1).
Genomic context (GRCh38, chr11:17,394,351, plus strand): 5'-GCCTCGTCCATGATGAAGATGCTGGTCTTCCTCACGAAGGCCCGGGCCAGGCAGAACAGC[T>C]GCCTCTGTCCCTGGCTGAAATTCTCCCCGCCTTCTGTGATGATGGCATCTGAAAACAGCC-3'
Protein context (NP_000343.2, residues 1477-1497): GGENFSQGQR[Gln1487Arg]LFCLARAFVR